The following is an entry in ClinVar:

NM_000129.4(F13A1):c.2045G>A (p.Arg682His)

Gene: F13A1 (coagulation factor XIII A chain; minus strand). Cytogenetic location: 6p25.1.
Variant type: single nucleotide variant.
Coding change: c.2045G>A on transcript NM_000129.4 (MANE Select); coding-DNA position 2045, G replaced by A.
Protein change: p.Arg682His; replaces arginine 682 with histidine.
Molecular consequence: missense variant.
Genome position (GRCh38, 1-based): chr6:6,151,813, C>T on the plus strand (G>A on the coding strand, the complement: F13A1 is on the minus strand). VCF-style: chr6-6151813-C-T. GRCh37 (hg19) VCF-style: chr6-6152046-C-T.
Other names: F13A1, ARG681HIS; R681H; p.Arg682His; c.2045G>A (NM_000129.3); short protein forms R682H.
Identifiers: ClinVar variation 16524 (VCV000016524.4), dbSNP rs121913064, ClinGen allele CA126612.
Genomic context (GRCh38, chr6:6,151,813, plus strand): 5'-ACAGAGAAAGCTTCCCACAGCCCTGCACTGCCTGCCCGGTCTCCCCAACCCAAGGTTTAC[C>T]GGAACATCTTCTTCATTGGTCTTGTTACTCCAGGACCATCCAGGTGTACCCAGACATTTC-3'
Protein context (NP_000120.2, residues 672-692): GVTRPMKKMF[Arg682His]EIRPNSTVQW

ClinVar aggregate classification (germline): Pathogenic. Review status: criteria provided, multiple submitters, no conflicts (2 of 4 stars). 4 submissions from 4 submitters: Pathogenic (3). 1 of the submissions does not count toward it. Last evaluated 2026-08-28.

Conditions:
Factor XIII deficiency. Identifiers: MedGen C4316906, MONDO:0002241.
F13A1-related disorder. Also called: F13A1-related condition.
Factor XIII, A subunit, deficiency of. Also called: Factor XIII subunit A deficiency. Identifiers: Orphanet 331, MedGen C2750514, MONDO:0013187, OMIM 613225, HP:0040233.

Allele frequency attached by ClinVar (database versions not stated): gnomAD 0.00001; TOPMed 0.00001; gnomAD exomes 0.00002.
gnomAD v4.1: 37 of 1,613,900 alleles (0.0023%); highest among the groups gnomAD compares: South Asian, 0.0033%; no homozygotes.

Submissions (4):

PreventionGenetics, part of Exact Sciences
Classification: Pathogenic for F13A1-related condition. Last evaluated: 2026-08-28. Review status: criteria provided, single submitter. Criteria: ACMG Guidelines, 2015. Collection method: clinical testing. Allele origin: germline.
Comment: The F13A1 c.2045G>A variant is predicted to result in the amino acid substitution p.Arg682His. This variant resides in the last nucleotide of exon 14, and based on available splicing prediction programs (SpliceAI, Jaganathan et al. 2019. PubMed ID: 30661751 and Alamut Visual Plus v1.6.1), it is predicted to abolish the consensus splice donor site. This variant has been reported in the homozygous or compound heterozygous state in several individuals with Factor XIII deficiency (Mirakhorli et al. 2019. PubMed ID: 30578706; Sharma et al 2023. PubMed ID: 37006978; reported as p.681 in Board et al. 1992. PubMed ID: 1353995). This variant is reported in 0.0029% of alleles in individuals of Latino descent in gnomAD. Variants that disrupt the consensus splice donor site in F13A1 are expected to be pathogenic. This variant is interpreted as pathogenic.

North West Genomic Laboratory Hub, Manchester University NHS Foundation Trust
Classification: Pathogenic for Factor XIII deficiency. Last evaluated: 2025-06-19. Review status: criteria provided, single submitter. Criteria: ACGS Best Practice Guidelines for Variant Classification in Rare Disease 2020. Collection method: clinical testing. Allele origin: germline. Affected: yes.
Comment: PP4_Mod PM3_Str PP3_Supp PM2_Mod PM5_Supp

Mayo Clinic Laboratories, Mayo Clinic
Classification: Pathogenic. Last evaluated: 2024-02-05. Review status: criteria provided, single submitter. Criteria: ACMG Guidelines, 2015. Collection method: clinical testing. Allele origin: germline. Observed: 1 variant allele.
Comment: PP3, PM2_moderate, PM3_strong, PS3, PS4_moderate

OMIM
Classification: Pathogenic for FACTOR XIII, A SUBUNIT, DEFICIENCY OF. Last evaluated: 1992-08-15. Review status: no assertion criteria provided. Collection method: literature only. Allele origin: germline. Not counted in ClinVar's aggregate classification.

Literature cited by the submitters: PubMed 10877543 (cited by Mayo Clinic Laboratories, Mayo Clinic); PubMed 1353995 (cited by Mayo Clinic Laboratories, Mayo Clinic and OMIM); PubMed 15456491 (cited by Mayo Clinic Laboratories, Mayo Clinic); PubMed 19422454 (cited by Mayo Clinic Laboratories, Mayo Clinic); PubMed 21824284 (cited by Mayo Clinic Laboratories, Mayo Clinic); PubMed 24329762 (cited by Mayo Clinic Laboratories, Mayo Clinic); PubMed 26852661 (cited by Mayo Clinic Laboratories, Mayo Clinic); PubMed 29604433 (cited by Mayo Clinic Laboratories, Mayo Clinic); PubMed 30578706 (cited by Mayo Clinic Laboratories, Mayo Clinic); PubMed 37006978 (cited by Mayo Clinic Laboratories, Mayo Clinic); PubMed 8555083 (cited by Mayo Clinic Laboratories, Mayo Clinic).